The following is an entry in ClinVar:

ClinVar aggregate classification (germline): Uncertain significance. Review status: criteria provided, multiple submitters, no conflicts (2 of 4 stars). 2 submissions from 2 submitters: Uncertain significance (2). Last evaluated 2025-10-03.

Conditions:
Cardiomyopathy (CMYO). Also called: Cardiomyopathies. Identifiers: Orphanet 167848, MedGen C0878544, MONDO:0004994, HP:0001638. Inheritance: Various modes of inheritance.
Cardiovascular phenotype. Identifiers: MedGen CN230736.

Submissions (2):

Color Diagnostics, LLC DBA Color Health
Classification: Uncertain significance for Cardiomyopathy. Last evaluated: 2025-10-03. Review status: criteria provided, single submitter. Criteria: ACMG Guidelines, 2015. Collection method: clinical testing. Allele origin: germline.
Comment: This missense variant replaces threonine with isoleucine at codon 362 of the DSC2 protein. Computational prediction suggests that this variant may not impact protein structure and function. To our knowledge, functional studies have not been reported for this variant. This variant has not been reported in individuals affected with DSC2-related disorders in the literature. This variant has not been identified in the general population by the Genome Aggregation Database (gnomAD). The available evidence is insufficient to determine the role of this variant in disease conclusively. Therefore, this variant is classified as a Variant of Uncertain Significance.

Ambry Genetics
Classification: Uncertain significance for Cardiovascular phenotype. Last evaluated: 2025-01-13. Review status: criteria provided, single submitter. Criteria: Ambry Variant Classification Scheme 2023. Collection method: clinical testing. Allele origin: germline.
Comment: The p.T362I variant (also known as c.1085C>T), located in coding exon 9 of the DSC2 gene, results from a C to T substitution at nucleotide position 1085. The threonine at codon 362 is replaced by isoleucine, an amino acid with similar properties. This amino acid position is conserved. In addition, this alteration is predicted to be tolerated by in silico analysis. Based on the available evidence, the clinical significance of this variant remains unclear.

NM_024422.6(DSC2):c.1085C>T (p.Thr362Ile)

Gene: DSC2 (desmocollin 2; minus strand). Cytogenetic location: 18q12.1.
Variant type: single nucleotide variant.
Coding change: c.1085C>T on transcript NM_024422.6 (MANE Select); coding-DNA position 1085, C replaced by T.
Protein change: p.Thr362Ile; replaces threonine 362 with isoleucine.
Molecular consequence: missense variant.
Genome position (GRCh38, 1-based): chr18:31,082,416, G>A on the plus strand (C>T on the coding strand, the complement: DSC2 is on the minus strand). VCF-style: chr18-31082416-G-A. GRCh37 (hg19) VCF-style: chr18-28662382-G-A.
Other names: c.656C>T, p.Thr219Ile (NM_001406506.1, NM_001406507.1); c.1085C>T, p.Thr362Ile (NM_004949.5); short protein forms T219I, T362I.
Identifiers: ClinVar variation 3842516 (VCV003842516.2).